The following is an entry in ClinVar:

NM_032348.4(MXRA8):c.1186G>A (p.Asp396Asn)

Gene: MXRA8 (matrix remodeling associated 8; minus strand). Cytogenetic location: 1p36.33.
Variant type: single nucleotide variant.
Coding change: c.1186G>A on transcript NM_032348.4 (MANE Select); coding-DNA position 1186, G replaced by A.
Protein change: p.Asp396Asn; replaces aspartic acid 396 with asparagine.
Molecular consequence: missense variant.
Genome position (GRCh38, 1-based): chr1:1,354,066, C>T on the plus strand (G>A on the coding strand, the complement: MXRA8 is on the minus strand). VCF-style: chr1-1354066-C-T. GRCh37 (hg19) VCF-style: chr1-1289446-C-T.
Other names: c.1186G>A, p.Asp396Asn (NM_001282582.2, NM_001282585.1); c.1159G>A, p.Asp387Asn (NM_001282583.2); c.883G>A, p.Asp295Asn (NM_001282584.2); short protein forms D295N, D387N, D396N.
Identifiers: ClinVar variation 3034759 (VCV003034759.2), dbSNP rs150058708, ClinGen allele CA521028.

ClinVar aggregate classification (germline): Likely benign (0 of 4 stars; one submission).

Conditions:
MXRA8-related disorder. Also called: MXRA8-related condition.

Allele frequency attached by ClinVar (database versions not stated): 1000 Genomes Project 30x 0.00219; 1000 Genomes Project 0.00220; ExAC 0.00237; TOPMed 0.00303; ESP Exome Variant Server 0.00377.
gnomAD v4.1: 5,380 of 1,612,968 alleles (0.33%); highest among the groups gnomAD compares: Non-Finnish European, 0.41%; 10 homozygotes.

Submission:

PreventionGenetics, part of Exact Sciences
Classification: Likely benign for MXRA8-related condition. Last evaluated: 2023-01-06. Review status: no assertion criteria provided. Collection method: clinical testing. Allele origin: germline.
Comment: This variant is classified as likely benign based on ACMG/AMP sequence variant interpretation guidelines (Richards et al. 2015 PMID: 25741868, with internal and published modifications).